The following continues an entry in ClinVar:

NM_007294.4(BRCA1):c.5346G>A (p.Trp1782Ter)

Gene: BRCA1. ClinVar aggregate classification (germline): Pathogenic. Pathogenic (1).

Submissions 9 to 23 of 23:

Women's Health and Genetics/Laboratory Corporation of America, LabCorp
Classification: Pathogenic for Hereditary breast ovarian cancer syndrome. Last evaluated: 2022-10-06. Review status: criteria provided, single submitter. Criteria: LabCorp Variant Classification Summary - May 2015. Collection method: clinical testing. Allele origin: germline. Not counted in ClinVar's aggregate classification.
Comment: Variant summary: The variant, BRCA1 c.5346G>A (p.Trp1782X) results in a premature termination codon, predicted to cause a truncation of the encoded protein or absence of the protein due to nonsense mediated decay, which are commonly known mechanisms for disease. Truncations downstream of this position have been classified as pathogenic by our laboratory. The variant was absent in 277192 control chromosomes (gnomAD). The variant, c.5346G>A has been reported in the literature in multiple individuals affected with ovarian cancer, breast cancer Hereditary Breast and Ovarian Cancer and high risk patients with family history of HBOC (Example: Geisler_2002, Reedy_2002, Kroiss_2005, Pennington_2013). These data indicate that the variant is very likely to be associated with disease. At least one functional study reports experimental evidence evaluating an impact on protein function and showed a damaging effect of this variant on homology directed repair (HDR) activity (e.g. Findlay_2018). HDR assays qualify as a recognized gold standard on the basis of updated guidance provided by the ClinGen Sequence Variant Interpretation (SVI) working group. Twelve clinical diagnostic laboratories have submitted clinical-significance assessments for this variant to ClinVar after 2014 and classified the variant as pathogenic. Based on the evidence outlined above, the variant was classified as pathogenic.

GeneDx
Classification: Pathogenic. Last evaluated: 2022-02-28. Review status: criteria provided, single submitter. Criteria: GeneDx Variant Classification Process June 2021. Collection method: clinical testing. Allele origin: germline. Affected: yes. Not counted in ClinVar's aggregate classification.
Comment: Nonsense variant predicted to result in protein truncation or nonsense mediated decay in a gene for which loss-of-function is a known mechanism of disease; Identified in patients with a personal or family history consistent with pathogenic variants in this gene in published literature (Sobczak 1997, Geisler 2002, Kroiss 2005, Machackova 2008); Published functional studies demonstrate a damaging effect: impaired cell survival (Findlay 2018); Not observed at significant frequency in large population cohorts (gnomAD); Truncating variants in this gene are considered pathogenic by a well-established clinical consortium and/or database; Also known as 5465G>A; This variant is associated with the following publications: (PMID: 10788334, 11773283, 25948282, 9362443, 18489799, 12960223, 19949876, 16287141, 12673801, 16267036, 26843898, 25330149, 28588062, 30209399, 32885271, 29446198, 33674644)

Color Diagnostics, LLC DBA Color Health
Classification: Pathogenic for Hereditary cancer-predisposing syndrome. Last evaluated: 2020-01-15. Review status: criteria provided, single submitter. Criteria: ACMG Guidelines, 2015. Collection method: clinical testing. Allele origin: germline. Not counted in ClinVar's aggregate classification.
Comment: This variant changes 1 nucleotide in exon 21 of the BRCA1 gene, creating a premature translation stop signal. This variant is expected to result in an absent or non-functional protein product. This variant has not been identified in the general population by the Genome Aggregation Database (gnomAD). Loss of BRCA1 function is a known mechanism of disease. Based on the available evidence, this variant is classified as Pathogenic.

Quest Diagnostics Nichols Institute San Juan Capistrano
Classification: Pathogenic. Last evaluated: 2018-08-11. Review status: criteria provided, single submitter. Criteria: Quest Diagnostics criteria. Collection method: clinical testing. Allele origin: germline. Not counted in ClinVar's aggregate classification.
Comment: The variant creates a premature nonsense codon, and is therefore predicted to significantly disrupt the protein structure. Found in at least one symptomatic patient, and not found in general population data.

Laboratory for Molecular Medicine, Mass General Brigham Personalized Medicine
Classification: Pathogenic for Hereditary breast ovarian cancer syndrome. Last evaluated: 2017-01-27. Review status: criteria provided, single submitter. Criteria: LMM Criteria. Collection method: clinical testing. Allele origin: germline. Observed: 1 variant allele. Not counted in ClinVar's aggregate classification.
Comment: The p.Trp1782X (c.5346G>A) variant in BRCA1 has been reported in 15 individuals with BRCA1-associated cancers (Breast cancer information core (BIC) database, Ma chackova 2008, Sobczak 1997) and was absent from large population studies. This nonsense variant leads to a premature termination codon at position 1782, which is predicted to lead to a truncated or absent protein. Heterozygous loss of func tion of the BRCA1 gene is an established disease mechanism in hereditary breast and ovarian cancer (HBOC). Additionally, the p.Trp1782X variant was classified a s Pathogenic on September 8, 2016 by the ClinGen-approved ENIGMA Expert Panel (S CV000300246.2). In summary, this variant meets criteria to be classified as path ogenic for HBOC in an autosomal dominant manner based upon its predicted impact to the protein, absence from controls, and multiple reports in affected individu als.

Molecular Genetics Laboratory, University of Michigan
Classification: Pathogenic for Breast-ovarian cancer, familial, susceptibility to, 1. Last evaluated: 2016-04-21. Review status: criteria provided, single submitter. Criteria: ACMG Guidelines, 2015. Collection method: clinical testing. Allele origin: germline. Affected: yes. Not counted in ClinVar's aggregate classification.

Consortium of Investigators of Modifiers of BRCA1/2 (CIMBA), c/o University of Cambridge
Classification: Pathogenic for Breast-ovarian cancer, familial, susceptibility to, 1. Last evaluated: 2015-10-02. Review status: criteria provided, single submitter. Criteria: CIMBA Mutation Classification guidelines May 2016. Collection method: clinical testing. Allele origin: germline. Not counted in ClinVar's aggregate classification.

Mayo Clinic Laboratories, Mayo Clinic
Classification: Pathogenic. Last evaluated: 2017-01-31. Review status: no assertion criteria provided. Collection method: clinical testing. Allele origin: unknown. Not counted in ClinVar's aggregate classification.

Counsyl
Classification: Pathogenic for Breast-ovarian cancer, familial, susceptibility to, 1. Last evaluated: 2016-09-20. Review status: no assertion criteria provided. Collection method: clinical testing. Allele origin: unknown. Not counted in ClinVar's aggregate classification.

Institute of Human Genetics, Medical University Innsbruck
Classification: Pathogenic for Breast-ovarian cancer, familial 1. Last evaluated: 2015-02-11. Review status: no assertion criteria provided. Criteria: clinical testing. Collection method: clinical testing. Allele origin: germline. Affected: yes. Study: BRCA-Tyrol. Not counted in ClinVar's aggregate classification.
Comment: BRCA-mutation spectrum Western Austria

Research Molecular Genetics Laboratory, Women's College Hospital, University of Toronto
Classification: Pathogenic for Hereditary breast ovarian cancer syndrome. Last evaluated: 2014-01-31. Review status: no assertion criteria provided. Collection method: research. Allele origin: germline. Affected: yes. Study: The Canadian Open Genetics Repository (COGR). Not counted in ClinVar's aggregate classification.

Sharing Clinical Reports Project (SCRP)
Classification: Pathogenic for Breast-ovarian cancer, familial 1. Last evaluated: 2010-05-19. Review status: no assertion criteria provided. Collection method: clinical testing. Allele origin: germline. Not counted in ClinVar's aggregate classification.

Breast Cancer Information Core (BIC) (BRCA1)
Classification: Pathogenic for Breast-ovarian cancer, familial 1. Last evaluated: 2002-05-29. Review status: no assertion criteria provided. Collection method: clinical testing. Allele origin: germline. Affected: yes. Observed: 13 variant alleles. Not counted in ClinVar's aggregate classification.

Brotman Baty Institute, University of Washington
No classification provided (evidence only). Condition: Breast-ovarian cancer, familial 1. Review status: no classification provided. Collection method: in vitro. Allele origin: not applicable. Functional consequence: functionally_normal. Not counted in ClinVar's aggregate classification.
ClinVar note: "not provided" was previously submitted as the classification for the variant. However, the classification appeared to be based only on an observation of functional data so it was converted to no classification on 2025-07-30.

Department of Pathology and Laboratory Medicine, Sinai Health System
Classification: Pathogenic for Malignant tumor of breast. Review status: no assertion criteria provided. Collection method: clinical testing. Allele origin: unknown. Affected: yes. Study: The Canadian Open Genetics Repository (COGR). Not counted in ClinVar's aggregate classification.
Comment: The BRCA1 p.Trp1782* variant was identified in 5 of 62980 proband chromosomes (frequency: 0.00008) from individuals or families with breast or ovarian cancer (Domagala 2015, Machackova 2008, Rebbeck 2018, Sobczak 1997). The variant was also identified in dbSNP (ID: rs80357284 as "With Pathogenic allele"), ClinVar (classified as pathogenic by ENIGMA, GeneDx, Counsyl, Ambry Genetics, Color Genomics, SCRP, BIC, and five other clinical laboratories), COGR, LOVD 3.0 (6x as pathogenic), UMD-LSDB (3x as causal), BIC Database (13x as clinically important), and ARUP Laboratories database (as definitely pathogenic). The variant was not identified in Cosmic, MutDB, Zhejiang University databases, the 1000 Genomes Project, the NHLBI GO Exome Sequencing Project, the Exome Aggregation Consortium (August 8th 2016), or the Genome Aggregation Database (Feb 27, 2017). However, the p.Trp1782* variant leads to a premature stop codon at position 1782, which is predicted to lead to a truncated or absent protein and loss of function. Loss of function variants of the BRCA1 gene are an established mechanism of disease in hereditary breast and ovarian cancer and is the type of variant expected to cause the disorder. In summary, based on the above information this variant meets our laboratoryâ€šÃ„Ã´s criteria to be classified as pathogenic.

Literature cited by the submitters: PubMed 20104584 (cited by Labcorp Genetics (formerly Invitae), Labcorp); PubMed 9362443 (cited by 5 submitters); PubMed 12673801 (cited by 4 submitters); PubMed 12960223 (cited by Labcorp Genetics (formerly Invitae), Labcorp and All of Us Research Program, National Institutes of Health); PubMed 16683254 (cited by Labcorp Genetics (formerly Invitae), Labcorp and All of Us Research Program, National Institutes of Health); PubMed 18489799 (cited by 3 submitters); PubMed 19949876 (cited by 4 submitters); PubMed 25330149 (cited by 4 submitters); PubMed 11972384 (cited by OLLIN Analises Genomicas, OLLIN and Women's Health and Genetics/Laboratory Corporation of America, LabCorp); PubMed 11773283 (cited by 3 submitters); PubMed 24240112 (cited by OLLIN Analises Genomicas, OLLIN and Women's Health and Genetics/Laboratory Corporation of America, LabCorp); PubMed 16287141 (cited by 3 submitters); PubMed 30209399 (cited by 4 submitters); PubMed 39142283 (cited by OLLIN Analises Genomicas, OLLIN); PubMed 32824581 (cited by Ambry Genetics and All of Us Research Program, National Institutes of Health); PubMed 17661172 (cited by All of Us Research Program, National Institutes of Health); PubMed 21989022 (cited by All of Us Research Program, National Institutes of Health); PubMed 22762150 (cited by All of Us Research Program, National Institutes of Health).